The following is an entry in ClinVar:

NM_000271.5(NPC1):c.3083_3084del (p.Gly1028fs)

Gene: NPC1 (NPC intracellular cholesterol transporter 1; minus strand). Cytogenetic location: 18q11.2.
Variant type: Deletion.
Coding change: c.3083_3084del on transcript NM_000271.5 (MANE Select); coding-DNA positions 3083 to 3084, 2 bases deleted (GC; older notation c.3083_3084delGC).
Protein change: p.Gly1028fs; shifts the reading frame from glycine 1028.
Molecular consequence: frameshift variant.
Genome position (GRCh38, 1-based): chr18:23,536,834-23,536,835, GC deleted on the plus strand (GC on the coding strand, the reverse complement: NPC1 is on the minus strand). VCF-style (leftmost placement, unchanged base first): chr18-23536833-GGC-G. GRCh37 (hg19) VCF-style: chr18-21116797-GGC-G.
Other names: c.3083_3084del (NM_000271.4); short protein forms G1028fs.
Identifiers: ClinVar variation 1075415 (VCV001075415.10), dbSNP rs1274484561, ClinGen allele CA628978728.
Genomic context (GRCh38, chr18:23,536,833, plus strand): 5'-CAGAGGTCTGCAGCACGGTGTGGTAGGTCATGAAGTACGTGGCTCCGACCCTGGTGCCAT[GGC>G]CAAGGAGGATGTTAACTGCAGAACTATAGGCAGCATGTCCCCTGAGGAAAGAATCCTGGG-3'

ClinVar aggregate classification (germline): Pathogenic. Review status: criteria provided, multiple submitters, no conflicts (2 of 4 stars). 3 submissions from 3 submitters: Pathogenic (3). Last evaluated 2026-02-13.

Conditions:
Niemann-Pick disease, type C1. Also called: NEUROVISCERAL STORAGE DISEASE WITH VERTICAL SUPRANUCLEAR OPHTHALMOPLEGIA; NIEMANN-PICK DISEASE WITH CHOLESTEROL ESTERIFICATION BLOCK; NIEMANN-PICK DISEASE WITHOUT SPHINGOMYELINASE DEFICIENCY; NIEMANN-PICK DISEASE, CHRONIC NEURONOPATHIC FORM; NIEMANN-PICK DISEASE, VARIANT TYPE C1. Identifiers: Orphanet 646, MedGen C3179455, MONDO:0009757, OMIM 257220.

Allele frequency attached by ClinVar (database versions not stated): gnomAD exomes 0.00001 and below 0.00001.

Submissions (3):

GeneDx
Classification: Pathogenic. Last evaluated: 2026-02-13. Review status: criteria provided, single submitter. Criteria: GeneDx Variant Classification Process June 2021. Collection method: clinical testing. Allele origin: germline.
Comment: Frameshift variant predicted to result in protein truncation or nonsense mediated decay in a gene for which loss of function is a known mechanism of disease; Not observed at significant frequency in large population cohorts (gnomAD); This variant is associated with the following publications: (PMID: 26666848)

Natera, Inc.
Classification: Pathogenic for Niemann-Pick disease type C1. Last evaluated: 2024-12-18. Review status: criteria provided, single submitter. Criteria: Natera Variant Classification Schema (03/2026). Collection method: clinical testing. Allele origin: germline.
Comment: The c.3083_3084del variant in NPC1 is a frameshift variant predicted to shift the reading frame beginning at codon 1028 and leads to a stop codon 22 codons downstream. This variant is expected to result in nonsense mediated decay, truncation, or a dysfunctional protein product. This variant is rare in the general population with a frequency below the threshold expected for the associated phenotype(s). This variant has been observed in one or more individuals affected with the associated recessive disease, as either homozygous or compound heterozygous with a second variant (PMID: 26666848). Given the available evidence, this variant is classified as Pathogenic.

Labcorp Genetics (formerly Invitae), Labcorp
Classification: Pathogenic for Niemann-Pick disease, type C1. Last evaluated: 2023-06-03. Review status: criteria provided, single submitter. Criteria: Invitae Variant Classification Sherloc (09022015). Collection method: clinical testing. Allele origin: germline.
Comment: For these reasons, this variant has been classified as Pathogenic. Algorithms developed to predict the effect of sequence changes on RNA splicing suggest that this variant may create or strengthen a splice site. This sequence change creates a premature translational stop signal (p.Gly1028Alafs*22) in the NPC1 gene. It is expected to result in an absent or disrupted protein product. Loss-of-function variants in NPC1 are known to be pathogenic (PMID: 9211850). This variant is present in population databases (no rsID available, gnomAD 0.0009%). This premature translational stop signal has been observed in individual(s) with Niemann-Pick type C (PMID: 26666848). ClinVar contains an entry for this variant (Variation ID: 1075415).

Literature cited by the submitters: PubMed 26666848 (cited by Natera, Inc. and Labcorp Genetics (formerly Invitae), Labcorp); PubMed 9211850 (cited by Labcorp Genetics (formerly Invitae), Labcorp).